The following is an entry in ClinVar:

ClinVar aggregate classification (germline): Uncertain significance (1 of 4 stars; one submission).

Submission:

GeneDx
Classification: Uncertain significance. Last evaluated: 2024-05-16. Review status: criteria provided, single submitter. Criteria: GeneDx Variant Classification Process June 2021. Collection method: clinical testing. Allele origin: germline. Affected: yes.
Comment: Reported with a second variant, phase unknown, in a patient with prelingual nonsyndromic hearing loss (PMID: 27068579); Not observed at significant frequency in large population cohorts (gnomAD); In silico analysis supports that this missense variant has a deleterious effect on protein structure/function; This variant is associated with the following publications: (PMID: 27068579)

NM_004999.4(MYO6):c.608G>A (p.Ser203Asn)

Gene: MYO6 (myosin VI; plus strand). Cytogenetic location: 6q14.1.
Variant type: single nucleotide variant.
Coding change: c.608G>A on transcript NM_004999.4 (MANE Select); coding-DNA position 608, G replaced by A.
Protein change: p.Ser203Asn; replaces serine 203 with asparagine.
Molecular consequence: missense variant. On other transcripts: non-coding transcript variant (2).
Genome position (GRCh38, 1-based): chr6:75,840,639, G>A. VCF-style: chr6-75840639-G-A. GRCh37 (hg19) VCF-style: chr6-76550356-G-A.
Other names: c.608G>A, p.Ser203Asn (NM_001300899.2, NM_001368136.1, NM_001368137.1 and 4 more transcripts); c.593G>A, p.Ser198Asn (NM_001368138.1); short protein forms S198N, S203N.
Identifiers: ClinVar variation 3378001 (VCV003378001.1).